The following is an entry in ClinVar:

ClinVar aggregate classification (germline): Benign. Review status: criteria provided, multiple submitters, no conflicts (2 of 4 stars). 32 submissions from 32 submitters: Benign (23). 9 of the submissions do not count toward it. Last evaluated 2026-09-01.

Conditions:
Tuberous sclerosis 2 (TSC2). Identifiers: Orphanet 805, MedGen C1860707, MONDO:0013199, OMIM 613254.
Isolated focal cortical dysplasia type II (FCORD2). Also called: Focal cortical dysplasia type II; CORTICAL DYSPLASIA OF TAYLOR. Identifiers: Orphanet 268994, MedGen C1846385, MONDO:0011818, OMIM 607341, HP:0032051.
Lymphangiomyomatosis (LAM). Also called: Lymphangioleiomyomatosis, somatic; Lymphangioleiomyomatosis. Identifiers: Orphanet 538, MedGen C0751674, MONDO:0011705, OMIM 606690.
Hereditary cancer-predisposing syndrome. Also called: Neoplastic Syndromes, Hereditary; Hereditary neoplastic syndrome; Hereditary Cancer Syndrome; Tumor predisposition. Identifiers: Orphanet 140162, MedGen C0027672, MeSH D009386, MONDO:0015356.
Tuberous sclerosis syndrome (TSC). Also called: Tuberous sclerosis; Tuberous Sclerosis Complex. Identifiers: Orphanet 805, MedGen C0041341, MONDO:0001734.

Allele frequency attached by ClinVar (database versions not stated): gnomAD 0.01203 and 0.01221; TOPMed 0.01282; gnomAD exomes 0.01392 and 0.01643; 1000 Genomes Project 0.00879; 1000 Genomes Project 30x 0.00890; ExAC 0.01365; ESP Exome Variant Server 0.01500.
gnomAD v4.1: 25,998 of 1,613,742 alleles (1.6%); highest among the groups gnomAD compares: South Asian, 1.8%; 287 homozygotes.

Submissions 1 to 24 of 32:

CeGaT Center for Human Genetics Tuebingen
Classification: Benign. Last evaluated: 2026-09-01. Review status: criteria provided, single submitter. Criteria: CeGaT Center For Human Genetics Tuebingen Variant Classification Criteria Version 2. Collection method: clinical testing. Allele origin: germline. Affected: yes. Observed: 444 variant alleles.
Comment: TSC2: BP4, BS1, BS2

Labcorp Genetics (formerly Invitae), Labcorp
Classification: Benign for Tuberous sclerosis 2. Last evaluated: 2026-02-04. Review status: criteria provided, single submitter. Criteria: Invitae Variant Classification Sherloc (09022015). Collection method: clinical testing. Allele origin: germline.

ARUP Laboratories, Molecular Genetics and Genomics, ARUP Laboratories
Classification: Benign. Last evaluated: 2025-07-01. Review status: criteria provided, single submitter. Criteria: ARUP Molecular Germline Variant Investigation Process 2024. Collection method: clinical testing. Allele origin: germline.

Myriad Genetics, Inc.
Classification: Benign for Tuberous sclerosis 2. Last evaluated: 2025-05-13. Review status: criteria provided, single submitter. Criteria: Myriad Autosomal Dominant, Autosomal Recessive and X-Linked Classification Criteria (2023). Collection method: clinical testing. Allele origin: unknown.
Comment: This variant is considered benign. This variant has been observed at a population frequency that is significantly greater than expected given the associated disease prevalence and penetrance.

Blueprint Genetics
Classification: Benign. Last evaluated: 2024-11-27. Review status: criteria provided, single submitter. Criteria: ACMG Guidelines, 2015. Collection method: clinical testing. Allele origin: germline.

KCCC/NGS Laboratory, Kuwait Cancer Control Center
Classification: Benign for Tuberous sclerosis 2. Last evaluated: 2023-07-07. Review status: criteria provided, single submitter. Criteria: ACMG Guidelines, 2015. Collection method: clinical testing. Allele origin: germline. Affected: yes.

Mayo Clinic Laboratories, Mayo Clinic
Classification: Benign. Last evaluated: 2022-11-16. Review status: criteria provided, single submitter. Criteria: ACMG Guidelines, 2015. Collection method: clinical testing. Allele origin: germline. Observed: 27 variant alleles.
Comment: BS1, BS3

Color Diagnostics, LLC DBA Color Health
Classification: Benign for Tuberous sclerosis syndrome. Last evaluated: 2022-08-17. Review status: criteria provided, single submitter. Criteria: ACMG Guidelines, 2015. Collection method: clinical testing. Allele origin: germline.

Genetic Services Laboratory, University of Chicago
Classification: Benign. Last evaluated: 2021-12-27. Review status: criteria provided, single submitter. Criteria: ACMG Guidelines, 2015. Collection method: clinical testing. Allele origin: germline. Affected: no.

Genome-Nilou Lab
Classification: Benign for Tuberous sclerosis 2. Last evaluated: 2021-11-07. Review status: criteria provided, single submitter. Criteria: ACMG Guidelines, 2015. Collection method: clinical testing. Allele origin: germline. Affected: no.

Department of Pathology and Laboratory Medicine, Sinai Health System
Classification: Benign for Lymphangiomyomatosis; Isolated focal cortical dysplasia type II; Tuberous sclerosis 2. Last evaluated: 2021-06-28. Review status: criteria provided, single submitter. Criteria: ACMG Guidelines, 2015. Collection method: clinical testing. Allele origin: germline. Affected: yes.

Quest Diagnostics Nichols Institute San Juan Capistrano
Classification: Benign. Last evaluated: 2021-04-01. Review status: criteria provided, single submitter. Criteria: Quest Diagnostics criteria. Collection method: clinical testing. Allele origin: unknown.

Sema4
Classification: Benign for Hereditary cancer-predisposing syndrome. Last evaluated: 2020-02-24. Review status: criteria provided, single submitter. Criteria: Sema4 Curation Guidelines. Collection method: curation. Allele origin: germline.

Illumina Laboratory Services, Illumina
Classification: Benign for Tuberous sclerosis syndrome. Last evaluated: 2018-03-06. Review status: criteria provided, single submitter. Criteria: ICSL Variant Classification Criteria 13 December 2019. Collection method: clinical testing. Allele origin: germline.
Comment: This variant was observed in the ICSL laboratory as part of a predisposition screen in an ostensibly healthy population. It had not been previously curated by ICSL or reported in the Human Gene Mutation Database (HGMD: prior to June 1st, 2018), and was therefore a candidate for classification through an automated scoring system. Utilizing variant allele frequency, disease prevalence and penetrance estimates, and inheritance mode, an automated score was calculated to assess if this variant is too frequent to cause the disease. Based on the score and internal cut-off values, a variant classified as benign is not then subjected to further curation. The score for this variant resulted in a classification of benign for this disease.

Athena Diagnostics
Classification: Benign. Last evaluated: 2017-08-01. Review status: criteria provided, single submitter. Criteria: Athena Diagnostics Criteria. Collection method: clinical testing. Allele origin: germline.

Women's Health and Genetics/Laboratory Corporation of America, LabCorp
Classification: Benign. Last evaluated: 2016-08-23. Review status: criteria provided, single submitter. Criteria: LabCorp Variant Classification Summary - May 2015. Collection method: clinical testing. Allele origin: germline.
Comment: Variant summary: The TSC2 c.1100G>A (p.Arg367Gln) variant involves the alteration of a conserved nucleotide. 2/4 in silico tools predict a benign outcome for this variant. This variant was found in 1643/120374 control chromosomes (17 homozygotes) at a frequency of 0.0136491, which is approximately 199 times the estimated maximal expected allele frequency of a pathogenic TSC2 variant (0.0000688), suggesting this variant is likely a benign polymorphism. In addition, multiple clinical diagnostic laboratories/reputable databases and publications have classified this variant as benign, indicating rational as having a relatively high allele frequency in controls as well as being detected in unaffected family members of TSC patients. Taken together, this variant is classified as benign.

Eurofins Ntd Llc (ga)
Classification: Benign. Last evaluated: 2016-03-16. Review status: criteria provided, single submitter. Criteria: EGL Classification Definitions 2015. Collection method: clinical testing. Allele origin: germline. Observed: 5 variant alleles, 5 heterozygotes.

Laboratory for Molecular Medicine, Mass General Brigham Personalized Medicine
Classification: Benign. Last evaluated: 2015-12-10. Review status: criteria provided, single submitter. Criteria: LMM Criteria. Collection method: clinical testing. Allele origin: germline. Observed: 3 variant alleles.
Comment: p.Arg367Gln in exon 11 of TSC2: This variant is not expected to have clinical si gnificance because it has been identified in 1.75% (1148/65946) of European chro mosomes by the Exome Aggregation Consortium (ExAC, g; dbSNP rs1800725).

Genomic Diagnostic Laboratory, Division of Genomic Diagnostics, Children's Hospital of Philadelphia
Classification: Benign for Tuberous sclerosis 2. Last evaluated: 2015-08-24. Review status: criteria provided, single submitter. Criteria: DGD Variant Analysis Guidelines. Collection method: clinical testing. Allele origin: unknown.

GeneDx
Classification: Benign. Last evaluated: 2015-03-03. Review status: criteria provided, single submitter. Criteria: GeneDx Variant Classification Process June 2021. Collection method: clinical testing. Allele origin: germline. Affected: yes.
Comment: This variant is associated with the following publications: (PMID: 29196670, 24728327, 27153395, 28087349, 27884173, 19254590, 21309039, 11741833, 17304050, 22995991, 25281918, 15483652, 22703879)

Ambry Genetics
Classification: Benign for Hereditary cancer-predisposing syndrome. Last evaluated: 2014-11-24. Review status: criteria provided, single submitter. Criteria: Ambry Variant Classification Scheme 2023. Collection method: clinical testing. Allele origin: germline.

Breakthrough Genomics
Classification: Benign. Review status: criteria provided, single submitter. Criteria: ACMG Guidelines, 2015. Collection method: not provided. Allele origin: germline. Inheritance: Autosomal dominant inheritance. Affected: yes.

PreventionGenetics, part of Exact Sciences
Classification: Benign. Review status: criteria provided, single submitter. Criteria: ACMG Guidelines, 2015. Collection method: clinical testing. Allele origin: germline.

ITMI
No classification provided. Condition: AllHighlyPenetrant. Last evaluated: 2013-09-19. Review status: no classification provided. Collection method: reference population. Allele origin: germline. Not counted in ClinVar's aggregate classification.
Comment: Please see associated publication for description of ethnicities

NM_000548.5(TSC2):c.1100G>A (p.Arg367Gln)

Gene: TSC2 (TSC complex subunit 2; plus strand). Cytogenetic location: 16p13.3.
Variant type: single nucleotide variant.
Coding change: c.1100G>A on transcript NM_000548.5 (MANE Select); coding-DNA position 1100, G replaced by A.
Protein change: p.Arg367Gln; replaces arginine 367 with glutamine.
Molecular consequence: missense variant.
Genome position (GRCh38, 1-based): chr16:2,060,794, G>A. VCF-style: chr16-2060794-G-A. GRCh37 (hg19) VCF-style: chr16-2110795-G-A.
Other names: c.1100G>A (NM_000548.4); c.1100G>A, p.Arg367Gln (NM_001077183.3, NM_001114382.3, NM_001363528.2 and 3 more transcripts); c.989G>A, p.Arg330Gln (NM_001318827.2); c.953G>A, p.Arg318Gln (NM_001318829.2); c.500G>A, p.Arg167Gln (NM_001318831.2); c.1133G>A, p.Arg378Gln (NM_001318832.2); short protein forms R367Q, R318Q, R378Q, R330Q, R167Q.
Identifiers: ClinVar variation 41725 (VCV000041725.91), dbSNP rs1800725, ClinGen allele CA013779.